The following is an entry in ClinVar:

ClinVar aggregate classification (germline): Likely benign (1 of 4 stars; one submission).

Conditions:
Age related macular degeneration 4. Identifiers: MedGen C1853147, MONDO:0012540, OMIM 610698.

gnomAD v4.1: 7 of 952,634 alleles (0.00073%); highest among the groups gnomAD compares: East Asian, 0.013%; no homozygotes.

Submission:

Genomenon, Inc
Classification: Likely benign for Age related macular degeneration 4. Last evaluated: 2026-09-17. Review status: criteria provided, single submitter. Criteria: Genomenon Sequence Variant Interpretation Standards - Updated. Collection method: curation. Allele origin: germline. Affected: yes.
Comment: CFH c.58+95T>C is an intronic variant located in intron 1. This variant has been observed in at least one proband affected with age-related macular degeneration (PMID: 18421087). It is absent or not present at a significant frequency in gnomAD. This variant is not predicted to impact splicing. In conclusion, we classify CFH c.58+95T>C as a likely benign variant.

Literature cited by the submitters: PubMed 18421087.

NM_000186.4(CFH):c.58+95T>C

Gene: CFH (complement factor H; plus strand). Cytogenetic location: 1q31.3.
Variant type: single nucleotide variant.
Coding change: c.58+95T>C on transcript NM_000186.4 (MANE Select); 95 bases into the intron after coding-DNA position 58, T replaced by C.
Molecular consequence: intron variant.
Genome position (GRCh38, 1-based): chr1:196,652,270, T>C. VCF-style: chr1-196652270-T-C. GRCh37 (hg19) VCF-style: chr1-196621400-T-C.
Other names: c.58+95T>C (NM_001014975.3).
Identifiers: ClinVar variation 4291685 (VCV004291685.2).